The following is an entry in ClinVar:

ClinVar aggregate classification (germline): Likely pathogenic (1 of 4 stars; one submission).

Allele frequency attached by ClinVar (database versions not stated): TOPMed below 0.00001.

Submission:

Labcorp Genetics (formerly Invitae), Labcorp
Classification: Likely pathogenic. Last evaluated: 2023-09-08. Review status: criteria provided, single submitter. Criteria: Invitae Variant Classification Sherloc (09022015). Collection method: clinical testing. Allele origin: germline.
Comment: In summary, the currently available evidence indicates that the variant is pathogenic, but additional data are needed to prove that conclusively. Therefore, this variant has been classified as Likely Pathogenic. Algorithms developed to predict the effect of sequence changes on RNA splicing suggest that this variant may disrupt the consensus splice site. This variant has not been reported in the literature in individuals affected with MSH3-related conditions. This variant is not present in population databases (gnomAD no frequency). This sequence change affects a donor splice site in intron 5 of the MSH3 gene. It is expected to disrupt RNA splicing. Variants that disrupt the donor or acceptor splice site typically lead to a loss of protein function (PMID: 16199547), and loss-of-function variants in MSH3 are known to be pathogenic (PMID: 27476653, 37402566).

Literature cited by the submitters: PubMed 16199547; PubMed 27476653; PubMed 37402566.

NM_002439.5(MSH3):c.909+1G>A

Gene: MSH3 (mutS homolog 3; plus strand). Cytogenetic location: 5q14.1.
Variant type: single nucleotide variant.
Coding change: c.909+1G>A on transcript NM_002439.5 (MANE Select); the canonical splice donor site of the intron after coding-DNA position 909, G replaced by A.
Molecular consequence: splice donor variant.
Genome position (GRCh38, 1-based): chr5:80,672,361, G>A. VCF-style: chr5-80672361-G-A. GRCh37 (hg19) VCF-style: chr5-79968180-G-A.
Identifiers: ClinVar variation 2839353 (VCV002839353.3), dbSNP rs1484650365, ClinGen allele CA360267300.
Genomic context (GRCh38, chr5:80,672,361, plus strand): 5'-AGTATACCTACTCACAGACTGTTTGTTCATGTACGCCGCCTGGTGGCAAAAGGATATAAG[G>A]TCAGCTTTGGCTTTAACTTGTGGGGAAAGGAAATTGGGATTCTCCTCCAGAGAGTGCAAA-3'